The following is an entry in ClinVar:

ClinVar aggregate classification (germline): Uncertain significance. Review status: criteria provided, multiple submitters, no conflicts (2 of 4 stars). 4 submissions from 4 submitters: Uncertain significance (3). 1 of the submissions does not count toward it. Last evaluated 2024-08-02.

Conditions:
Hereditary cancer-predisposing syndrome. Also called: Hereditary neoplastic syndrome; Neoplastic Syndromes, Hereditary; Tumor predisposition; Hereditary Cancer Syndrome. Identifiers: Orphanet 140162, MedGen C0027672, MeSH D009386, MONDO:0015356.
Fanconi anemia (FA). Also called: Fanconi's anemia. Identifiers: Orphanet 84, MedGen C0015625, MeSH D005199, MONDO:0019391.

Allele frequency attached by ClinVar (database versions not stated): TOPMed below 0.00001.

Submissions (4):

GeneDx
Classification: Uncertain significance. Last evaluated: 2024-08-02. Review status: criteria provided, single submitter. Criteria: GeneDx Variant Classification Process June 2021. Collection method: clinical testing. Allele origin: germline. Affected: yes.
Comment: Not observed at significant frequency in large population cohorts (gnomAD); In silico analysis supports that this missense variant has a deleterious effect on protein structure/function; Has not been previously published as pathogenic or benign to our knowledge; This variant is associated with the following publications: (PMID: Gordon2000[Book])

Labcorp Genetics (formerly Invitae), Labcorp
Classification: Uncertain significance for Fanconi anemia. Last evaluated: 2021-09-01. Review status: criteria provided, single submitter. Criteria: Invitae Variant Classification Sherloc (09022015). Collection method: clinical testing. Allele origin: germline.
Comment: This sequence change replaces glutamine with histidine at codon 40 of the FANCC protein (p.Gln40His). The glutamine residue is weakly conserved and there is a small physicochemical difference between glutamine and histidine. This variant is not present in population databases (ExAC no frequency). This variant has not been reported in the literature in individuals affected with FANCC-related conditions. Algorithms developed to predict the effect of missense changes on protein structure and function are either unavailable or do not agree on the potential impact of this missense change (SIFT: "Tolerated"; PolyPhen-2: "Possibly Damaging"; Align-GVGD: "Class C0"). In summary, the available evidence is currently insufficient to determine the role of this variant in disease. Therefore, it has been classified as a Variant of Uncertain Significance.

Ambry Genetics
Classification: Uncertain significance for Hereditary cancer-predisposing syndrome. Last evaluated: 2021-06-09. Review status: criteria provided, single submitter. Criteria: Ambry Variant Classification Scheme 2023. Collection method: clinical testing. Allele origin: germline.
Comment: The p.Q40H variant (also known as c.120G>C), located in coding exon 1 of the FANCC gene, results from a G to C substitution at nucleotide position 120. The glutamine at codon 40 is replaced by histidine, an amino acid with highly similar properties. This amino acid position is not well conserved in available vertebrate species. In addition, this alteration is predicted to be tolerated by in silico analysis. Since supporting evidence is limited at this time, the clinical significance of this alteration remains unclear.

Natera, Inc.
Classification: Uncertain significance for Fanconi anemia. Last evaluated: 2018-10-30. Review status: no assertion criteria provided. Collection method: clinical testing. Allele origin: germline. Not counted in ClinVar's aggregate classification.

NM_000136.3(FANCC):c.120G>C (p.Gln40His)

Gene: FANCC (FA complementation group C; minus strand). Cytogenetic location: 9q22.32.
Variant type: single nucleotide variant.
Coding change: c.120G>C on transcript NM_000136.3 (MANE Select); coding-DNA position 120, G replaced by C.
Protein change: p.Gln40His; replaces glutamine 40 with histidine.
Molecular consequence: missense variant.
Genome position (GRCh38, 1-based): chr9:95,249,172, C>G on the plus strand (G>C on the coding strand, the complement: FANCC is on the minus strand). VCF-style: chr9-95249172-C-G. GRCh37 (hg19) VCF-style: chr9-98011454-C-G.
Other names: c.120G>C (NM_000136.2); c.120G>C, p.Gln40His (NM_001243743.2, NM_001243744.2); short protein forms Q40H.
Identifiers: ClinVar variation 1006687 (VCV001006687.13), dbSNP rs905858585, ClinGen allele CA196922572.
Genomic context (GRCh38, chr9:95,249,172, plus strand): 5'-TGGTCCACTACTTACCATCTCTTTCAAGGCTTCATACATCTTCCTTAGGAACTCCTGGAA[C>G]TGAGCCACGTGAAGACAGGTGTCTTGCTGGGTTTCCAAAGTGGAAGCCTGATCCCATACA-3'
Protein context (NP_000127.2, residues 30-50): TQQDTCLHVA[Gln40His]FQEFLRKMYE